The following is an entry in ClinVar:

ClinVar aggregate classification (germline): Likely benign (1 of 4 stars; one submission).

Allele frequency attached by ClinVar (database versions not stated): gnomAD 0.00003; ExAC 0.00004; gnomAD exomes 0.00005; ESP Exome Variant Server 0.00009; TOPMed 0.00001.

Submission:

CeGaT Center for Human Genetics Tuebingen
Classification: Likely benign. Last evaluated: 2022-12-01. Review status: criteria provided, single submitter. Criteria: CeGaT Center For Human Genetics Tuebingen Variant Classification Criteria Version 2. Collection method: clinical testing. Allele origin: germline. Affected: yes. Observed: 1 variant allele.
Comment: MBNL3: BP4, BS2

NM_001386889.1(MBNL3):c.355A>G (p.Met119Val)

Genes: MBNL3 (muscleblind like splicing regulator 3; minus strand), RAP2C-AS1 (RAP2C antisense RNA 1; plus strand). Cytogenetic location: Xq26.2.
Variant type: single nucleotide variant.
Coding change: c.355A>G on transcript NM_001386889.1 (MANE Select); coding-DNA position 355, A replaced by G.
Protein change: p.Met119Val; replaces methionine 119 with valine.
Molecular consequence: missense variant. On other transcripts: initiator codon variant (1).
Genome position (GRCh38, 1-based): chrX:132,392,322, T>C on the plus strand (A>G on the coding strand, the complement: MBNL3 is on the minus strand). VCF-style: chrX-132392322-T-C. GRCh37 (hg19) VCF-style: chrX-131526350-T-C.
Other names: c.67A>G, p.Met23Val (NM_001170701.3, NM_001170702.3, NM_001170703.2 and 14 more transcripts); c.355A>G, p.Met119Val (NM_001386891.1, NM_001386892.1, NM_001386894.1 and 6 more transcripts); c.1A>G, p.Met1Val (NM_001386916.1); short protein forms M119V, M1V, M23V.
Identifiers: ClinVar variation 2661452 (VCV002661452.24), dbSNP rs374039449, ClinGen allele CA10519382.